The following is an entry in ClinVar:

Conditions:
Long QT syndrome 5 (LQT5). Identifiers: Orphanet 101016, Orphanet 768, MedGen C1867904, MONDO:0013372, OMIM 613695.

Submission:

Roden Lab, Vanderbilt University Medical Center
No classification provided (evidence only). Condition: Long QT syndrome 5. Review status: no classification provided. Collection method: in vitro. Allele origin: not applicable. Functional consequence: Effect on ion channel function.
ClinVar note: "not provided" was previously submitted as the classification for the variant. However, the classification appeared to be based only on an observation of functional data so it was converted to no classification on 2025-07-30.

NM_000219.6(KCNE1):c.136T>A (p.Tyr46Asn)

Gene: KCNE1 (potassium voltage-gated channel subfamily E regulatory subunit 1; minus strand). Cytogenetic location: 21q22.12.
Variant type: single nucleotide variant.
Coding change: c.136T>A on transcript NM_000219.6 (MANE Select); coding-DNA position 136, T replaced by A.
Protein change: p.Tyr46Asn; replaces tyrosine 46 with asparagine.
Molecular consequence: missense variant.
Genome position (GRCh38, 1-based): chr21:34,449,499, A>T on the plus strand (T>A on the coding strand, the complement: KCNE1 is on the minus strand). VCF-style: chr21-34449499-A-T. GRCh37 (hg19) VCF-style: chr21-35821797-A-T.
Other names: c.136T>A, p.Tyr46Asn (NM_001127668.4, NM_001127669.4, NM_001127670.4 and 4 more transcripts); short protein forms Y46N.
Identifiers: ClinVar variation 3374143 (VCV003374143.2).